The following is an entry in ClinVar:

ClinVar aggregate classification (germline): Uncertain significance (1 of 4 stars; one submission).

Conditions:
Dyskeratosis congenita. Identifiers: Orphanet 1775, MedGen C0265965, MONDO:0015780.

Submission:

Ambry Genetics
Classification: Uncertain significance for Dyskeratosis congenita. Last evaluated: 2026-09-06. Review status: criteria provided, single submitter. Criteria: Ambry Variant Classification Scheme 2023. Collection method: clinical testing. Allele origin: germline.
Comment: The p.T1110S variant (also known as c.3328A>T), located in coding exon 16 of the TERT gene, results from an A to T substitution at nucleotide position 3328. The threonine at codon 1110 is replaced by serine, an amino acid with similar properties. This amino acid position is conserved. In addition, this alteration is predicted to be tolerated by in silico analysis. Based on the available evidence, the clinical significance of this variant remains unclear.

NM_198253.3(TERT):c.3328A>T (p.Thr1110Ser)

Gene: TERT (telomerase reverse transcriptase; minus strand). Cytogenetic location: 5p15.33.
Variant type: single nucleotide variant.
Coding change: c.3328A>T on transcript NM_198253.3 (MANE Select); coding-DNA position 3328, A replaced by T.
Protein change: p.Thr1110Ser; replaces threonine 1110 with serine.
Molecular consequence: missense variant. On other transcripts: non-coding transcript variant (2).
Genome position (GRCh38, 1-based): chr5:1,253,799, T>A on the plus strand (A>T on the coding strand, the complement: TERT is on the minus strand). VCF-style: chr5-1253799-T-A. GRCh37 (hg19) VCF-style: chr5-1253914-T-A.
Other names: c.3139A>T, p.Thr1047Ser (NM_001193376.3); short protein forms T1047S, T1110S.
Identifiers: ClinVar variation 5030672 (VCV005030672.1).